The following is an entry in ClinVar:

NM_002470.4(MYH3):c.3935A>G (p.Gln1312Arg)

Gene: MYH3 (myosin heavy chain 3; minus strand). Cytogenetic location: 17p13.1.
Variant type: single nucleotide variant.
Coding change: c.3935A>G on transcript NM_002470.4 (MANE Select); coding-DNA position 3935, A replaced by G.
Protein change: p.Gln1312Arg; replaces glutamine 1312 with arginine.
Molecular consequence: missense variant.
Genome position (GRCh38, 1-based): chr17:10,635,775, T>C on the plus strand (A>G on the coding strand, the complement: MYH3 is on the minus strand). VCF-style: chr17-10635775-T-C. GRCh37 (hg19) VCF-style: chr17-10539092-T-C.
Other names: short protein forms Q1312R.
Identifiers: ClinVar variation 2204001 (VCV002204001.7), dbSNP rs1471817733, ClinGen allele CA398147100.
Genomic context (GRCh38, chr17:10,635,775, plus strand): 5'-GTCTTCCTTCAATGGTGTACCTTGTTCTCTTCCTCCAGCTGCCTCTTGAGCTCTTCTGTT[T>C]GCTGGGTAAAGGCTTGCTTGCTCCTGGAAAGTTGGGATACTATGCTTTCTTTTTCTTCCA-3'
Protein context (NP_002461.2, residues 1302-1322): LSRSKQAFTQ[Gln1312Arg]TEELKRQLEE

ClinVar aggregate classification (germline): Uncertain significance. Review status: criteria provided, multiple submitters, no conflicts (2 of 4 stars). 4 submissions from 4 submitters: Uncertain significance (4). Last evaluated 2026-02-17.

Conditions:
Inborn genetic diseases. Identifiers: MedGen C0950123, MeSH D030342.

Allele frequency attached by ClinVar (database versions not stated): gnomAD exomes below 0.00001; TOPMed below 0.00001; gnomAD 0.00001.

Submissions (4):

Women's Health and Genetics/Laboratory Corporation of America, LabCorp
Classification: Uncertain significance. Last evaluated: 2026-02-17. Review status: criteria provided, single submitter. Criteria: LabCorp Variant Classification Summary - May 2015. Collection method: clinical testing. Allele origin: germline.
Comment: Variant summary: MYH3 c.3935A>G (p.Gln1312Arg) results in a conservative amino acid change in the encoded protein sequence. Algorithms developed to predict the effect of missense changes on protein structure and function are either unavailable or do not agree on the potential impact of this missense change. The variant allele was found at a frequency of 4e-06 in 251494 control chromosomes. The available data on variant occurrences in the general population are insufficient to allow any conclusion about variant significance. To our knowledge, no occurrence of c.3935A>G in individuals affected with MYH3-related conditions and no experimental evidence demonstrating its impact on protein function have been reported. ClinVar contains an entry for this variant (Variation ID: 2204001). Based on the evidence outlined above, the variant was classified as uncertain significance.

Labcorp Genetics (formerly Invitae), Labcorp
Classification: Uncertain significance. Last evaluated: 2024-06-03. Review status: criteria provided, single submitter. Criteria: Invitae Variant Classification Sherloc (09022015). Collection method: clinical testing. Allele origin: germline.
Comment: This sequence change replaces glutamine, which is neutral and polar, with arginine, which is basic and polar, at codon 1312 of the MYH3 protein (p.Gln1312Arg). This variant is present in population databases (no rsID available, gnomAD 0.003%). This variant has not been reported in the literature in individuals affected with MYH3-related conditions. ClinVar contains an entry for this variant (Variation ID: 2204001). Advanced modeling of protein sequence and biophysical properties (such as structural, functional, and spatial information, amino acid conservation, physicochemical variation, residue mobility, and thermodynamic stability) performed at Invitae indicates that this missense variant is not expected to disrupt MYH3 protein function with a negative predictive value of 95%. In summary, the available evidence is currently insufficient to determine the role of this variant in disease. Therefore, it has been classified as a Variant of Uncertain Significance.

GeneDx
Classification: Uncertain significance. Last evaluated: 2023-04-19. Review status: criteria provided, single submitter. Criteria: GeneDx Variant Classification Process June 2021. Collection method: clinical testing. Allele origin: germline. Affected: yes.
Comment: Not observed at significant frequency in large population cohorts (gnomAD); In silico analysis supports that this missense variant has a deleterious effect on protein structure/function; Has not been previously published as pathogenic or benign to our knowledge

Ambry Genetics
Classification: Uncertain significance for Inborn genetic diseases. Last evaluated: 2022-08-17. Review status: criteria provided, single submitter. Criteria: Ambry Variant Classification Scheme 2023. Collection method: clinical testing. Allele origin: germline.